The following is an entry in ClinVar:

NM_024675.4(PALB2):c.1A>G (p.Met1Val)

Gene: PALB2 (partner and localizer of BRCA2; minus strand). Cytogenetic location: 16p12.2.
Variant type: single nucleotide variant.
Coding change: c.1A>G on transcript NM_024675.4 (MANE Select); coding-DNA position 1, A replaced by G.
Protein change: p.Met1Val; changes the start codon (methionine 1).
Molecular consequence: missense variant, initiator codon variant.
Genome position (GRCh38, 1-based): chr16:23,641,157, T>C on the plus strand (A>G on the coding strand, the complement: PALB2 is on the minus strand). VCF-style: chr16-23641157-T-C. GRCh37 (hg19) VCF-style: chr16-23652478-T-C.
Other names: short protein forms M1V.
Identifiers: ClinVar variation 246182 (VCV000246182.19), dbSNP rs879254144, ClinGen allele CA10584527.

ClinVar aggregate classification (germline): Pathogenic/Likely pathogenic. Review status: criteria provided, multiple submitters, no conflicts (2 of 4 stars). 5 submissions from 5 submitters: Pathogenic (1); Likely pathogenic (4). Last evaluated 2025-09-15.

Conditions:
Hereditary cancer-predisposing syndrome. Also called: Hereditary neoplastic syndrome; Neoplastic Syndromes, Hereditary; Tumor predisposition; Hereditary Cancer Syndrome. Identifiers: Orphanet 140162, MedGen C0027672, MeSH D009386, MONDO:0015356.
Familial cancer of breast. Also called: BREAST CANCER, FAMILIAL; Hereditary breast cancer; hereditary breast carcinoma. Identifiers: Orphanet 227535, MedGen C0346153, MONDO:0016419, OMIM 114480. Disease mechanism: loss of function.

Allele frequency attached by ClinVar (database versions not stated): gnomAD exomes below 0.00001.

Submissions (5):

Ambry Genetics
Classification: Likely pathogenic for Hereditary cancer-predisposing syndrome. Last evaluated: 2025-09-15. Review status: criteria provided, single submitter. Criteria: Ambry Variant Classification Scheme 2023. Collection method: clinical testing. Allele origin: germline.
Comment: The p.M1? variant (also known as c.1A>G) is located in coding exon 1 of the PALB2 gene and results from an A to G substitution at nucleotide position 1. This alters the methionine residue at the initiation codon (ATG). This variant was identified in an individual with a personal history of breast cancer as part of a large Canadian cohort study of 2870 individuals (Bhai et al. Front Genet. 2021 Jul;12:698595). This amino acid position is highly conserved in available vertebrate species. In addition to the clinical data presented in the literature, sequence variations that modify the initiation codon are expected to result in either loss of translation initiation, N-terminal truncation, or cause a shift in the mRNA reading frame. Based on the majority of available evidence to date, this variant is likely to be pathogenic.

GeneDx
Classification: Likely pathogenic. Last evaluated: 2025-04-18. Review status: criteria provided, single submitter. Criteria: GeneDx Variant Classification Process June 2021. Collection method: clinical testing. Allele origin: germline. Affected: yes.
Comment: Observed in individuals with a personal and/or family history of breast and other cancers (PMID: 34326862, 28779002); Initiation codon variant in a gene for which loss of function is a known mechanism of disease; Not observed at significant frequency in large population cohorts (gnomAD); This variant is associated with the following publications: (PMID: 28779002, 34326862)

Labcorp Genetics (formerly Invitae), Labcorp
Classification: Pathogenic for Familial cancer of breast. Last evaluated: 2024-03-16. Review status: criteria provided, single submitter. Criteria: Invitae Variant Classification Sherloc (09022015). Collection method: clinical testing. Allele origin: germline.
Comment: This sequence change affects the initiator methionine of the PALB2 mRNA. The next in-frame methionine is located at codon 296. This variant is present in population databases (no rsID available, gnomAD no frequency). Disruption of the initiator codon has been observed in individual(s) with bile duct cancer, breast cancer, glioblastoma multiforme, and/or pancreatic cancer (PMID: 29625052, 31173646, 31263571, 31871297). ClinVar contains an entry for this variant (Variation ID: 246182). If translation initiation is rescued by the downstream methionine at codon 296, this would result in loss of the coiled-coil domain (p.Leu9-Glu42) of the PALB2 protein, which is critical for the interaction between BRCA1/BRCA2, and necessary for homology-directed DNA repair (PMID: 16793542, 19369211, 26649820, 25099575). This variant disrupts a region of the PALB2 protein in which other variant(s) (p.Leu35Pro) have been determined to be pathogenic (PMID: 28319063, 30337689, 31586400). This suggests that this is a clinically significant region of the protein, and that variants that disrupt it are likely to be disease-causing. For these reasons, this variant has been classified as Pathogenic.

Myriad Genetics, Inc.
Classification: Likely pathogenic for Familial cancer of breast. Last evaluated: 2023-09-06. Review status: criteria provided, single submitter. Criteria: Myriad Autosomal Dominant, Autosomal Recessive and X-Linked Classification Criteria (2023). Collection method: clinical testing. Allele origin: unknown.
Comment: This variant is considered likely pathogenic. This variant is located within the gene translation start codon (p.Met1?) and is predicted to result in abnormal protein translation.

Color Diagnostics, LLC DBA Color Health
Classification: Likely pathogenic for Hereditary cancer-predisposing syndrome. Last evaluated: 2021-10-26. Review status: criteria provided, single submitter. Criteria: ACMG Guidelines, 2015. Collection method: clinical testing. Allele origin: germline.
Comment: This variant results in the loss of the translation initiation codon (methionine at codon 1) of the PALB2 gene. This variant is expected to disrupt the expression of the full-length PALB2 protein. If the next in-frame methionine at codon 296 is used as an alternate translation initiation codon, the resulting protein would be 25% shorter than the wild type protein and lack the coiled-coil domain (p.Leu9-Glu42) that mediates the interaction between PALB2 and BRCA1 (PMID: 19369211, 25099575) and, therefore, is critical for homology-directed repair (PMID: 16793542, 19369211). Although, to our knowledge, functional studies have not been reported for this variant, it is expected to disrupt PALB2 protein function. This variant has not been reported in individuals affected with hereditary cancer in the literature, but two different nucleotide substitution variants affecting the translation initiator methionine have been identified in individuals with breast and pancreatic cancer (PMID: 31173646, 31871297). This variant has been identified in 1/246052 chromosomes in the general population by the Genome Aggregation Database (gnomAD). Loss of PALB2 function is a known mechanism of disease. Based on the available evidence, this variant is classified as Likely Pathogenic.

Literature cited by the submitters: PubMed 34326862 (cited by Ambry Genetics); PubMed 29625052 (cited by Labcorp Genetics (formerly Invitae), Labcorp); PubMed 31173646 (cited by Labcorp Genetics (formerly Invitae), Labcorp and Color Diagnostics, LLC DBA Color Health); PubMed 31263571 (cited by Labcorp Genetics (formerly Invitae), Labcorp); PubMed 31871297 (cited by Labcorp Genetics (formerly Invitae), Labcorp and Color Diagnostics, LLC DBA Color Health); PubMed 16793542 (cited by Labcorp Genetics (formerly Invitae), Labcorp and Color Diagnostics, LLC DBA Color Health); PubMed 19369211 (cited by Labcorp Genetics (formerly Invitae), Labcorp and Color Diagnostics, LLC DBA Color Health); PubMed 26649820 (cited by Labcorp Genetics (formerly Invitae), Labcorp); PubMed 25099575 (cited by Labcorp Genetics (formerly Invitae), Labcorp and Color Diagnostics, LLC DBA Color Health); PubMed 28319063 (cited by Labcorp Genetics (formerly Invitae), Labcorp); PubMed 30337689 (cited by Labcorp Genetics (formerly Invitae), Labcorp); PubMed 31586400 (cited by Labcorp Genetics (formerly Invitae), Labcorp).